The following is an entry in ClinVar:

ClinVar aggregate classification (germline): Uncertain significance (1 of 4 stars; one submission).

Conditions:
Hereditary cancer-predisposing syndrome. Also called: Tumor predisposition; Neoplastic Syndromes, Hereditary; Hereditary neoplastic syndrome; Hereditary Cancer Syndrome. Identifiers: Orphanet 140162, MedGen C0027672, MeSH D009386, MONDO:0015356.

Submission:

Ambry Genetics
Classification: Uncertain significance for Hereditary cancer-predisposing syndrome. Last evaluated: 2025-08-27. Review status: criteria provided, single submitter. Criteria: Ambry Variant Classification Scheme 2023. Collection method: clinical testing. Allele origin: germline.
Comment: The p.L529P variant (also known as c.1586T>C), located in coding exon 16 of the MUTYH gene, results from a T to C substitution at nucleotide position 1586. The leucine at codon 529 is replaced by proline, an amino acid with similar properties. This amino acid position is conserved. In addition, this alteration is predicted to be deleterious by in silico analysis. Based on the available evidence, the clinical significance of this variant remains unclear.

NM_001048174.2(MUTYH):c.1502T>C (p.Leu501Pro)

Gene: MUTYH (mutY DNA glycosylase; minus strand). Cytogenetic location: 1p34.1.
Variant type: single nucleotide variant.
Coding change: c.1502T>C on transcript NM_001048174.2 (MANE Select); coding-DNA position 1502, T replaced by C.
Protein change: p.Leu501Pro; replaces leucine 501 with proline.
Molecular consequence: missense variant. On other transcripts: non-coding transcript variant (7).
Genome position (GRCh38, 1-based): chr1:45,329,370, A>G on the plus strand (T>C on the coding strand, the complement: MUTYH is on the minus strand). VCF-style: chr1-45329370-A-G. GRCh37 (hg19) VCF-style: chr1-45795042-A-G.
Other names: c.1502T>C, p.Leu501Pro (NM_001048171.2, NM_001048173.2, NM_001293195.2 and 6 more transcripts); c.1505T>C, p.Leu502Pro (NM_001048172.2, NM_001407071.1, NM_001407078.1 and 1 more transcripts); c.1586T>C, p.Leu529Pro (NM_001128425.2); c.1547T>C, p.Leu516Pro (NM_001293190.2); c.1535T>C, p.Leu512Pro (NM_001293191.2, NM_001407069.1, NM_001407077.1); c.1226T>C, p.Leu409Pro (NM_001293192.2, NM_001293196.2, NM_001407091.1); c.1157T>C, p.Leu386Pro (NM_001350650.2, NM_001350651.2, NM_001407082.1); c.1418T>C, p.Leu473Pro (NM_001407075.1); and 5 more; short protein forms L508P, L386P, L473P, L488P, L502P, L515P, L487P, L516P.
Identifiers: ClinVar variation 4113400 (VCV004113400.1).